The following is an entry in ClinVar:

ClinVar aggregate classification (germline): Uncertain significance (1 of 4 stars; one submission).

Conditions:
Mitochondrial DNA depletion syndrome 13. Also called: FBXL4-Related Encephalomyopathic Mitochondrial DNA Depletion Syndrome; Mitochondrial DNA depletion syndrome 13 (encephalomyopathic type). Identifiers: Orphanet 369897, MedGen C3809592, MONDO:0014198, OMIM 615471.

Allele frequency attached by ClinVar (database versions not stated): gnomAD exomes below 0.00001; ExAC 0.00001.
gnomAD v4.1: 1 of 1,614,008 alleles (0.000062%); highest among the groups gnomAD compares: Non-Finnish European, 0.000085%; no homozygotes.

Submission:

Wong Mito Lab, Molecular and Human Genetics, Baylor College of Medicine
Classification: Uncertain significance for Mitochondrial DNA depletion syndrome 13. Last evaluated: 2017-08-10. Review status: criteria provided, single submitter. Criteria: ACMG Guidelines, 2015. Collection method: reference population. Allele origin: germline.
Comment: The NM_012160.4:c.1662G>A (NP_036292.2:p.Leu554=) [GRCH38: NC_000006.12:g.98875455C>T] variant in FBXL4 gene is interpretated to be a Uncertain Significance - Conflicting Evidence based on ACMG guidelines (PMID: 25741868). This variant meets one or more of the following evidence codes reported in the ACMG-guideline. PM2:This variant is absent in key population databases. BP4:Computational evidence/predictors indicate no impact on the FBXL4 structure, function, or protein-protein interaction. BP7:The variant is silent with non predicted splice impact. Based on this evidence code ClinGen Pathogenicity Calculator (PMID:28081714) suggested that the variant is Uncertain Significance - Conflicting Evidence.

NM_001278716.2(FBXL4):c.1662G>A (p.Leu554=)

Gene: FBXL4 (F-box and leucine rich repeat protein 4; minus strand). Cytogenetic location: 6q16.1.
Variant type: single nucleotide variant.
Coding change: c.1662G>A on transcript NM_001278716.2 (MANE Select); coding-DNA position 1662, G replaced by A.
Protein change: p.Leu554=; no amino-acid change (leucine 554 retained).
Molecular consequence: synonymous variant. On other transcripts: non-coding transcript variant (1).
Genome position (GRCh38, 1-based): chr6:98,875,455, C>T on the plus strand (G>A on the coding strand, the complement: FBXL4 is on the minus strand). VCF-style: chr6-98875455-C-T. GRCh37 (hg19) VCF-style: chr6-99323331-C-T.
Other names: c.1662G>A, p.Leu554= (NM_012160.5).
Identifiers: ClinVar variation 437783 (VCV000437783.1), dbSNP rs756767279, ClinGen allele CA3933409.